The following is an entry in ClinVar:

ClinVar aggregate classification (germline): Uncertain significance (1 of 4 stars; one submission).

Allele frequency attached by ClinVar (database versions not stated): TOPMed below 0.00001; ExAC 0.00001; gnomAD 0.00001.

Submission:

Labcorp Genetics (formerly Invitae), Labcorp
Classification: Uncertain significance. Last evaluated: 2025-11-24. Review status: criteria provided, single submitter. Criteria: Invitae Variant Classification Sherloc (09022015). Collection method: clinical testing. Allele origin: germline.
Comment: This sequence change replaces threonine, which is neutral and polar, with serine, which is neutral and polar, at codon 106 of the PAX4 protein (p.Thr106Ser). This variant is present in population databases (rs761394041, gnomAD 0.002%). This variant has not been reported in the literature in individuals affected with PAX4-related conditions. ClinVar contains an entry for this variant (Variation ID: 2908092). An algorithm developed to predict the effect of missense changes on protein structure and function outputs the following: PolyPhen-2: "Benign". The serine amino acid residue is found in multiple mammalian species, which suggests that this missense change does not adversely affect protein function. In summary, the available evidence is currently insufficient to determine the role of this variant in disease. Therefore, it has been classified as a Variant of Uncertain Significance.

NM_001366110.1(PAX4):c.340A>T (p.Thr114Ser)

Gene: PAX4 (paired box 4; minus strand). Cytogenetic location: 7q32.1.
Variant type: single nucleotide variant.
Coding change: c.340A>T on transcript NM_001366110.1 (MANE Select); coding-DNA position 340, A replaced by T.
Protein change: p.Thr114Ser; replaces threonine 114 with serine.
Molecular consequence: missense variant.
Genome position (GRCh38, 1-based): chr7:127,614,900, T>A on the plus strand (A>T on the coding strand, the complement: PAX4 is on the minus strand). VCF-style: chr7-127614900-T-A. GRCh37 (hg19) VCF-style: chr7-127254954-T-A.
Other names: c.340A>T, p.Thr114Ser (NM_001366111.1); short protein forms T114S.
Identifiers: ClinVar variation 2908092 (VCV002908092.3), dbSNP rs761394041, ClinGen allele CA4468133.